The following is an entry in ClinVar:

NM_000288.4(PEX7):c.832C>T (p.Leu278Phe)

Gene: PEX7 (peroxisomal biogenesis factor 7; plus strand). Cytogenetic location: 6q23.3.
Variant type: single nucleotide variant.
Coding change: c.832C>T on transcript NM_000288.4 (MANE Select); coding-DNA position 832, C replaced by T.
Protein change: p.Leu278Phe; replaces leucine 278 with phenylalanine.
Molecular consequence: missense variant.
Genome position (GRCh38, 1-based): chr6:136,898,170, C>T. VCF-style: chr6-136898170-C-T. GRCh37 (hg19) VCF-style: chr6-137219308-C-T.
Other names: short protein forms L278F.
Identifiers: ClinVar variation 1013638 (VCV001013638.13), dbSNP rs1775685342, ClinGen allele CA365766599.

ClinVar aggregate classification (germline): Uncertain significance. Review status: criteria provided, multiple submitters, no conflicts (2 of 4 stars). 5 submissions from 5 submitters: Uncertain significance (2). 3 of the submissions do not count toward it. Last evaluated 2024-11-18.

Conditions:
Rhizomelic chondrodysplasia punctata (RCDP). Identifiers: Orphanet 177, MedGen C0282529, MONDO:0015776. Disease mechanism: loss of function.
Peroxisome biogenesis disorder 9B. Also called: PEROXISOME BIOGENESIS DISORDER, PEX7-RELATED, ATYPICAL; Refsum disease, adult, 2; PEX7-Related Refsum Disease. Identifiers: Orphanet 773, MedGen C2749346, MONDO:0013945, OMIM 614879.

Allele frequency attached by ClinVar (database versions not stated): gnomAD exomes below 0.00001.
gnomAD v4.1: 4 of 1,611,652 alleles (0.00025%); highest among the groups gnomAD compares: African/African-American, 0.0053%; no homozygotes.

Submissions (5):

Labcorp Genetics (formerly Invitae), Labcorp
Classification: Uncertain significance for Peroxisome biogenesis disorder 9B. Last evaluated: 2024-11-18. Review status: criteria provided, single submitter. Criteria: Invitae Variant Classification Sherloc (09022015). Collection method: clinical testing. Allele origin: germline.
Comment: This sequence change replaces leucine, which is neutral and non-polar, with phenylalanine, which is neutral and non-polar, at codon 278 of the PEX7 protein (p.Leu278Phe). This variant is not present in population databases (gnomAD no frequency). This variant has not been reported in the literature in individuals affected with PEX7-related conditions. ClinVar contains an entry for this variant (Variation ID: 1013638). An algorithm developed to predict the effect of missense changes on protein structure and function (PolyPhen-2) suggests that this variant is likely to be disruptive. In summary, the available evidence is currently insufficient to determine the role of this variant in disease. Therefore, it has been classified as a Variant of Uncertain Significance.

Blueprint Genetics
Classification: Uncertain significance. Last evaluated: 2022-09-09. Review status: criteria provided, single submitter. Criteria: ACMG Guidelines, 2015. Collection method: clinical testing. Allele origin: germline.

Natera, Inc.
Classification: Uncertain significance for Rhizomelic Chondrodysplasia Punctata. Last evaluated: 2020-07-17. Review status: no assertion criteria provided. Collection method: clinical testing. Allele origin: germline. Not counted in ClinVar's aggregate classification.

Clinical Genetics DNA and cytogenetics Diagnostics Lab, Erasmus MC, Erasmus Medical Center
Classification: Uncertain significance. Review status: no assertion criteria provided. Collection method: clinical testing. Allele origin: germline. Affected: yes. Study: VKGL Data-share Consensus. Not counted in ClinVar's aggregate classification.

Diagnostic Laboratory, Department of Genetics, University Medical Center Groningen
Classification: Uncertain significance. Review status: no assertion criteria provided. Collection method: clinical testing. Allele origin: germline. Affected: yes. Study: VKGL Data-share Consensus. Not counted in ClinVar's aggregate classification.